The following is an entry in ClinVar:

NM_001025603.2(RFX5):c.*888T>C

Gene: RFX5 (regulatory factor X5; minus strand). Cytogenetic location: 1q21.3.
Variant type: single nucleotide variant.
Coding change: c.*888T>C on transcript NM_001025603.2 (MANE Select); 888 bases downstream of the stop codon, T replaced by C.
Molecular consequence: 3 prime UTR variant.
Genome position (GRCh38, 1-based): chr1:151,341,298, A>G on the plus strand (T>C on the coding strand, the complement: RFX5 is on the minus strand). VCF-style: chr1-151341298-A-G. GRCh37 (hg19) VCF-style: chr1-151313774-A-G.
Other names: c.*888T>C (NM_000449.4, NM_001379412.1, NM_001379413.1 and 7 more transcripts).
Identifiers: ClinVar variation 292600 (VCV000292600.6), dbSNP rs7552906, ClinGen allele CA10607832.

ClinVar aggregate classification (germline): Benign. Review status: criteria provided, multiple submitters, no conflicts (2 of 4 stars). 2 submissions from 2 submitters: Benign (2). Last evaluated 2018-01-13.

Conditions:
MHC class II deficiency. Also called: Bare lymphocyte syndrome 2; BLS, TYPE II. Identifiers: Orphanet 572, MedGen C5447452, MONDO:0008855.

Allele frequency attached by ClinVar (database versions not stated): 1000 Genomes Project 0.62800; gnomAD 0.62946 and 0.62805; 1000 Genomes Project 30x 0.62555; gnomAD exomes 0.50000; TOPMed 0.63591.
gnomAD v4.1: 95,654 of 152,072 alleles (63%); highest among the groups gnomAD compares: Middle Eastern, 68%; 30,218 homozygotes.

Submissions (2):

Illumina Laboratory Services, Illumina
Classification: Benign for MHC class II deficiency 1. Last evaluated: 2018-01-13. Review status: criteria provided, single submitter. Criteria: ICSL Variant Classification Criteria 13 December 2019. Collection method: clinical testing. Allele origin: germline.
Comment: This variant was observed in the ICSL laboratory as part of a predisposition screen in an ostensibly healthy population. It had not been previously curated by ICSL or reported in the Human Gene Mutation Database (HGMD: prior to June 1st, 2018), and was therefore a candidate for classification through an automated scoring system. Utilizing variant allele frequency, disease prevalence and penetrance estimates, and inheritance mode, an automated score was calculated to assess if this variant is too frequent to cause the disease. Based on the score and internal cut-off values, a variant classified as benign is not then subjected to further curation. The score for this variant resulted in a classification of benign for this disease.

Breakthrough Genomics
Classification: Benign. Review status: criteria provided, single submitter. Criteria: ACMG Guidelines, 2015. Collection method: not provided. Allele origin: germline. Inheritance: Autosomal recessive inheritance. Affected: yes.